The following is an entry in ClinVar:

NM_004836.7(EIF2AK3):c.2182T>C (p.Cys728Arg)

Genes: EIF2AK3 (eukaryotic translation initiation factor 2 alpha kinase 3; minus strand), EIF2AK3-AS1 (EIF2AK3 antisense RNA 1; plus strand). Cytogenetic location: 2p11.2.
Variant type: single nucleotide variant.
Coding change: c.2182T>C on transcript NM_004836.7 (MANE Select); coding-DNA position 2182, T replaced by C.
Protein change: p.Cys728Arg; replaces cysteine 728 with arginine.
Molecular consequence: missense variant. On other transcripts: non-coding transcript variant (1).
Genome position (GRCh38, 1-based): chr2:88,575,301, A>G on the plus strand (T>C on the coding strand, the complement: EIF2AK3 is on the minus strand). VCF-style: chr2-88575301-A-G. GRCh37 (hg19) VCF-style: chr2-88874819-A-G.
Other names: c.1729T>C, p.Cys577Arg (NM_001313915.2); short protein forms C577R, C728R.
Identifiers: ClinVar variation 1345290 (VCV001345290.5), dbSNP rs758386944, ClinGen allele CA1754485.

ClinVar aggregate classification (germline): Uncertain significance (1 of 4 stars; one submission).

Allele frequency attached by ClinVar (database versions not stated): gnomAD exomes 0.00001; ExAC 0.00001.
gnomAD v4.1: 3 of 1,614,196 alleles (0.00019%); highest among the groups gnomAD compares: East Asian, 0.0045%; no homozygotes.

Submission:

Labcorp Genetics (formerly Invitae), Labcorp
Classification: Uncertain significance. Last evaluated: 2021-08-30. Review status: criteria provided, single submitter. Criteria: Invitae Variant Classification Sherloc (09022015). Collection method: clinical testing. Allele origin: germline.
Comment: This sequence change replaces cysteine with arginine at codon 728 of the EIF2AK3 protein (p.Cys728Arg). The cysteine residue is moderately conserved and there is a large physicochemical difference between cysteine and arginine. This variant is present in population databases (rs758386944, ExAC 0.01%). This variant has not been reported in the literature in individuals affected with EIF2AK3-related conditions. Algorithms developed to predict the effect of missense changes on protein structure and function (SIFT, PolyPhen-2, Align-GVGD) all suggest that this variant is likely to be tolerated. In summary, the available evidence is currently insufficient to determine the role of this variant in disease. Therefore, it has been classified as a Variant of Uncertain Significance.